The following is an entry in ClinVar:

NM_001385641.1(SAMD11):c.2254C>A (p.Leu752Met)

Gene: SAMD11 (sterile alpha motif domain containing 11; plus strand). Cytogenetic location: 1p36.33.
Variant type: single nucleotide variant.
Coding change: c.2254C>A on transcript NM_001385641.1 (MANE Select); coding-DNA position 2254, C replaced by A.
Protein change: p.Leu752Met; replaces leucine 752 with methionine.
Molecular consequence: missense variant.
Genome position (GRCh38, 1-based): chr1:943,773, C>A. VCF-style: chr1-943773-C-A. GRCh37 (hg19) VCF-style: chr1-879153-C-A.
Other names: c.2257C>A, p.Leu753Met (NM_001385640.1); c.1765C>A, p.Leu589Met (NM_152486.4); short protein forms L589M, L752M, L753M.
Identifiers: ClinVar variation 1001480 (VCV001001480.8), dbSNP rs755269654, ClinGen allele CA337817011.

ClinVar aggregate classification (germline): Uncertain significance (1 of 4 stars; one submission).

Submission:

Labcorp Genetics (formerly Invitae), Labcorp
Classification: Uncertain significance. Last evaluated: 2023-08-24. Review status: criteria provided, single submitter. Criteria: Invitae Variant Classification Sherloc (09022015). Collection method: clinical testing. Allele origin: germline.
Comment: In summary, the available evidence is currently insufficient to determine the role of this variant in disease. Therefore, it has been classified as a Variant of Uncertain Significance. An algorithm developed to predict the effect of missense changes on protein structure and function (PolyPhen-2) suggests that this variant is likely to be disruptive. ClinVar contains an entry for this variant (Variation ID: 1001480). This variant has not been reported in the literature in individuals affected with SAMD11-related conditions. This variant is not present in population databases (gnomAD no frequency). This sequence change replaces leucine, which is neutral and non-polar, with methionine, which is neutral and non-polar, at codon 589 of the SAMD11 protein (p.Leu589Met).